The following is an entry in ClinVar:

ClinVar aggregate classification (somatic clinical impact): Tier II - Potential (1 of 4 stars; one submission).

Conditions:
Embryonal rhabdomyosarcoma (ERMS). Also called: Botryoid rhabdomyosarcoma (type of ERMS); Spindle cell rhabdomyosarcomas (type of ERMS). Identifiers: Orphanet 99757, MedGen C0206656, MONDO:0009993, HP:0006743.

Submission:

Institute for Genomic Medicine (IGM) Clinical Laboratory, Nationwide Children's Hospital
Classification: Tier II - Potential for Embryonal rhabdomyosarcoma. Assertion type: diagnostic. Clinical significance: supports diagnosis. Last evaluated: 2025-01-27. Review status: criteria provided, single submitter. Criteria: AMP/ASCO/CAP Guidelines, 2017. Collection method: clinical testing. Allele origin: somatic. Affected: yes.
Comment: Variant has Tier II (potential) clinical significance as a diagnostic inclusion criterion in embryonal rhabdomyosarcoma, based on the following evidence: 1) Diagnostic significance based on multiple small studies (Evidence Level C; PMIDs: 29461635, 32709151). 2) Assists in diagnosis alone or along with other biomarkers based on small studies or few case reports (Evidence Level D).

Literature cited by the submitters: PubMed 29461635; PubMed 32709151.

NM_000548.5(TSC2):c.2028_2044delinsTA (p.Pro677_Gly682delinsArg)

Gene: TSC2 (TSC complex subunit 2; plus strand). Cytogenetic location: 16p13.3.
Variant type: Indel.
Coding change: c.2028_2044delinsTA on transcript NM_000548.5 (MANE Select); coding-DNA positions 2028 to 2044, CCCCGCCGTGCGGCTGG replaced by TA.
Protein change: p.Pro677_Gly682delinsArg.
Molecular consequence: inframe indel. On other transcripts: non-coding transcript variant (5).
Genome position (GRCh38, 1-based): chr16:2,071,865-2,071,881, CCCCGCCGTGCGGCTGG replaced by TA. VCF-style: chr16-2071865-CCCCGCCGTGCGGCTGG-TA. GRCh37 (hg19) VCF-style: chr16-2121866-CCCCGCCGTGCGGCTGG-TA.
Other names: c.2028_2044delinsTA, p.Pro677_Gly682delinsArg (NM_001370405.1, NM_001406663.1, NM_001406664.1 and 6 more transcripts); c.2118_2134delinsTA, p.Pro707_Gly712delinsArg (NM_001406667.1, NM_001406668.1); c.1917_1933delinsTA, p.Pro640_Gly645delinsArg (NM_001406670.1, NM_001406678.1, NM_001318827.2); c.2016_2032delinsTA, p.Pro673_Gly678delinsArg (NM_001406671.1, NM_001406673.1); c.1881_1897delinsTA, p.Pro628_Gly633delinsArg (NM_001406675.1, NM_001406676.1, NM_001406679.1 and 1 more transcripts); c.1971_1987delinsTA, p.Pro658_Gly663delinsArg (NM_001406677.1); c.1428_1444delinsTA, p.Pro477_Gly482delinsArg (NM_001406680.1, NM_001406682.1, NM_001406683.1 and 6 more transcripts); c.1566_1582delinsTA, p.Pro523_Gly528delinsArg (NM_001406681.1); and 3 more.
Identifiers: ClinVar variation 4530248 (VCV004530248.1).